The following is an entry in ClinVar:

NM_014244.5(ADAMTS2):c.70_71insGGACTCC (p.Pro24fs)

Gene: ADAMTS2 (ADAM metallopeptidase with thrombospondin type 1 motif 2; minus strand). Cytogenetic location: 5q35.3.
Variant type: Insertion.
Coding change: c.70_71insGGACTCC on transcript NM_014244.5 (MANE Select); coding-DNA positions 70 to 71, GGACTCC inserted.
Protein change: p.Pro24fs; shifts the reading frame from proline 24.
Molecular consequence: frameshift variant.
Genome position: GRCh38 VCF-style: chr5-179345258-G-GGGAGTCC. GRCh37 (hg19) VCF-style: chr5-178772259-G-GGGAGTCC.
Other names: c.70_71insGGACTCC, p.Pro24fs (NM_021599.4); short protein forms P24fs.
Identifiers: ClinVar variation 5010622 (VCV005010622.1).
Genomic context (GRCh38, chr5:179,345,258, plus strand): 5'-TCGGCGGCGGCGGCGAGCCTGGCGTTCGCGGGCGGCGGCGGCGGCGGCAGGAGCGGCGGC[G>GGGAGTCC]GCAGCAGCAGCAGCAGCAGCAGCAGCGCGGGGCAGAGCAGGCGGCGAGCGGCTCCCGCCG-3'

ClinVar aggregate classification (germline): Pathogenic (1 of 4 stars; one submission).

Conditions:
Ehlers-Danlos syndrome, dermatosparaxis type. Also called: EDS VIIC; Dermatosparaxis; Ehlers-Danlos syndrome, type VII, autosomal recessive. Identifiers: Orphanet 1901, MedGen C2700425, MONDO:0009161, OMIM 225410.

Submission:

Myriad Genetics, Inc.
Classification: Pathogenic for Ehlers-Danlos syndrome, dermatosparaxis type. Last evaluated: 2024-05-14. Review status: criteria provided, single submitter. Criteria: Myriad Autosomal Dominant, Autosomal Recessive and X-Linked Classification Criteria (2023). Collection method: clinical testing. Allele origin: unknown.
Comment: NM_014244.4(ADAMTS2):c.70_71ins7(P24Rfs*44) is expected to be pathogenic in the context of Ehlers-Danlos syndrome, ADAMTS2-related. This variant is predicted to lead to an abnormal or absent protein product due to the creation of a premature termination codon in ADAMTS2, a gene where loss-of-function variants are known to be pathogenic. Please note: this variant was assessed in the context of healthy population screening.